The following is an entry in ClinVar:

NM_006648.4(WNK2):c.287C>T (p.Pro96Leu)

Gene: WNK2 (WNK lysine deficient protein kinase 2; plus strand). Cytogenetic location: 9q22.31.
Variant type: single nucleotide variant.
Coding change: c.287C>T on transcript NM_006648.4 (MANE Select); coding-DNA position 287, C replaced by T.
Protein change: p.Pro96Leu; replaces proline 96 with leucine.
Molecular consequence: missense variant.
Genome position (GRCh38, 1-based): chr9:93,185,216, C>T. VCF-style: chr9-93185216-C-T. GRCh37 (hg19) VCF-style: chr9-95947498-C-T.
Other names: c.287C>T, p.Pro96Leu (NM_001282394.3); short protein forms P96L.
Identifiers: ClinVar variation 4201824 (VCV004201824.1).

ClinVar aggregate classification (germline): Uncertain significance (1 of 4 stars; one submission).

gnomAD v4.1: 1 of 1,171,794 alleles (0.000085%); highest among the groups gnomAD compares: Non-Finnish European, 0.00011%; no homozygotes.

Submission:

Ambry Genetics
Classification: Uncertain significance. Last evaluated: 2025-08-25. Review status: criteria provided, single submitter. Criteria: Ambry Variant Classification Scheme 2023. Collection method: clinical testing. Allele origin: germline.
Comment: The p.P96L variant (also known as c.287C>T), located in coding exon 1 of the WNK2 gene, results from a C to T substitution at nucleotide position 287. The proline at codon 96 is replaced by leucine, an amino acid with similar properties. This amino acid position is conserved. In addition, this alteration is predicted to be tolerated by in silico analysis. Based on the available evidence, the clinical significance of this variant remains unclear.